The following is an entry in ClinVar:

NM_000834.5(GRIN2B):c.3335G>A (p.Arg1112Gln)

Gene: GRIN2B (glutamate ionotropic receptor NMDA type subunit 2B; minus strand). Cytogenetic location: 12p13.1.
Variant type: single nucleotide variant.
Coding change: c.3335G>A on transcript NM_000834.5 (MANE Select); coding-DNA position 3335, G replaced by A.
Protein change: p.Arg1112Gln; replaces arginine 1112 with glutamine.
Molecular consequence: missense variant.
Genome position (GRCh38, 1-based): chr12:13,563,903, C>T on the plus strand (G>A on the coding strand, the complement: GRIN2B is on the minus strand). VCF-style: chr12-13563903-C-T. GRCh37 (hg19) VCF-style: chr12-13716837-C-T.
Other names: short protein forms R1112Q.
Identifiers: ClinVar variation 588926 (VCV000588926.14), dbSNP rs557670363, ClinGen allele CA233133838.

ClinVar aggregate classification (germline): Conflicting classifications of pathogenicity. Review status: criteria provided, conflicting classifications (1 of 4 stars). 2 submissions from 2 submitters: Uncertain significance (1); Likely benign (1). Last evaluated 2025-08-11.

Conditions:
Inborn genetic diseases. Identifiers: MedGen C0950123, MeSH D030342.
Intellectual developmental disorder, autosomal dominant 6, with or without seizures. Also called: Intellectual disability, autosomal dominant 6; GRIN2B-related developmental delay, intellectual disability and autism spectrum disorder. Identifiers: Orphanet 589547, MedGen C3151411, MONDO:0013509, OMIM 613970.
Developmental and epileptic encephalopathy, 27 (DEE27). Also called: GRIN2B-Related Neurodevelopmental Disorder; Epileptic encephalopathy, early infantile, 27. Identifiers: Orphanet 3451, MedGen C4015316, MONDO:0014505, OMIM 616139.

Allele frequency attached by ClinVar (database versions not stated): gnomAD exomes below 0.00001.
gnomAD v4.1: 1 of 1,614,052 alleles (0.000062%); highest among the groups gnomAD compares: African/African-American, 0.0013%; no homozygotes.

Submissions (2):

Labcorp Genetics (formerly Invitae), Labcorp
Classification: Uncertain significance for Developmental and epileptic encephalopathy, 27; Intellectual developmental disorder, autosomal dominant 6, with or without seizures. Last evaluated: 2025-08-11. Review status: criteria provided, single submitter. Criteria: Invitae Variant Classification Sherloc (09022015). Collection method: clinical testing. Allele origin: germline.
Comment: This sequence change replaces arginine, which is basic and polar, with glutamine, which is neutral and polar, at codon 1112 of the GRIN2B protein (p.Arg1112Gln). This variant is not present in population databases (gnomAD no frequency). This variant has not been reported in the literature in individuals affected with GRIN2B-related conditions. ClinVar contains an entry for this variant (Variation ID: 588926). Invitae Evidence Modeling of protein sequence and biophysical properties (such as structural, functional, and spatial information, amino acid conservation, physicochemical variation, residue mobility, and thermodynamic stability) indicates that this missense variant is not expected to disrupt GRIN2B protein function with a negative predictive value of 95%. In summary, the available evidence is currently insufficient to determine the role of this variant in disease. Therefore, it has been classified as a Variant of Uncertain Significance.

Ambry Genetics
Classification: Likely benign for Inborn genetic diseases. Last evaluated: 2017-04-04. Review status: criteria provided, single submitter. Criteria: Ambry Variant Classification Scheme 2023. Collection method: clinical testing. Allele origin: germline.